The following is an entry in ClinVar:

ClinVar aggregate classification (germline): Uncertain significance (1 of 4 stars; one submission).

Conditions:
Common variable immunodeficiency (CVID). Also called: Common variable hypogamma-globulinemia; Common variable agammaglobulinemia. Identifiers: Orphanet 1572, MedGen C0009447, MONDO:0015517.

Submission:

Labcorp Genetics (formerly Invitae), Labcorp
Classification: Uncertain significance for Common variable immunodeficiency. Last evaluated: 2024-05-23. Review status: criteria provided, single submitter. Criteria: Invitae Variant Classification Sherloc (09022015). Collection method: clinical testing. Allele origin: germline.
Comment: This sequence change replaces glutamine, which is neutral and polar, with histidine, which is basic and polar, at codon 211 of the TNFSF12 protein (p.Gln211His). This variant is not present in population databases (gnomAD no frequency). This variant has not been reported in the literature in individuals affected with TNFSF12-related conditions. An algorithm developed to predict the effect of missense changes on protein structure and function (PolyPhen-2) suggests that this variant is likely to be tolerated. Algorithms developed to predict the effect of sequence changes on RNA splicing suggest that this variant may create or strengthen a splice site. In summary, the available evidence is currently insufficient to determine the role of this variant in disease. Therefore, it has been classified as a Variant of Uncertain Significance.

NM_003809.3(TNFSF12):c.633G>C (p.Gln211His)

Genes: TNFSF12 (TNF superfamily member 12; plus strand), TNFSF12-TNFSF13 (TNFSF12-TNFSF13 readthrough; plus strand). Cytogenetic location: 17p13.1.
Variant type: single nucleotide variant.
Coding change: c.633G>C on transcript NM_003809.3 (MANE Select); coding-DNA position 633, G replaced by C.
Protein change: p.Gln211His; replaces glutamine 211 with histidine.
Molecular consequence: missense variant. On other transcripts: non-coding transcript variant (1), intron variant (1).
Genome position (GRCh38, 1-based): chr17:7,557,233, G>C. VCF-style: chr17-7557233-G-C. GRCh37 (hg19) VCF-style: chr17-7460550-G-C.
Other names: c.498+331G>C (NM_172089.4); short protein forms Q211H.
Identifiers: ClinVar variation 3665248 (VCV003665248.2).